The following is an entry in ClinVar:

NM_002080.4(GOT2):c.238G>A (p.Val80Ile)

Gene: GOT2 (glutamic-oxaloacetic transaminase 2; minus strand). Cytogenetic location: 16q21.
Variant type: single nucleotide variant.
Coding change: c.238G>A on transcript NM_002080.4 (MANE Select); coding-DNA position 238, G replaced by A.
Protein change: p.Val80Ile; replaces valine 80 with isoleucine.
Molecular consequence: missense variant.
Genome position (GRCh38, 1-based): chr16:58,723,754, C>T on the plus strand (G>A on the coding strand, the complement: GOT2 is on the minus strand). VCF-style: chr16-58723754-C-T. GRCh37 (hg19) VCF-style: chr16-58757658-C-T.
Other names: c.238G>A, p.Val80Ile (NM_001286220.2); short protein forms V80I.
Identifiers: ClinVar variation 2002169 (VCV002002169.4), dbSNP rs537935734, ClinGen allele CA8091117.
Genomic context (GRCh38, chr16:58,723,754, plus strand): 5'-GCTCTCTTCAGTTTATTCATCCCATTCAAAAGGAGATGAACAGCAAGCTCACCTTGCGGA[C>T]GCTAGGCAGAACGTAAGGCTTTCCATTATCATCCCGGTAGGCACCAACTCCCAGATTCAT-3'
Protein context (NP_002071.2, residues 70-90): DNGKPYVLPS[Val80Ile]RKAEAQIAAK

ClinVar aggregate classification (germline): Uncertain significance (1 of 4 stars; one submission).

Allele frequency attached by ClinVar (database versions not stated): TOPMed below 0.00001; gnomAD 0.00001; gnomAD exomes 0.00001; ExAC 0.00003; 1000 Genomes Project 0.00020; 1000 Genomes Project 30x 0.00031.

Submission:

Labcorp Genetics (formerly Invitae), Labcorp
Classification: Uncertain significance. Last evaluated: 2022-03-05. Review status: criteria provided, single submitter. Criteria: Invitae Variant Classification Sherloc (09022015). Collection method: clinical testing. Allele origin: germline.
Comment: This variant is present in population databases (rs537935734, gnomAD 0.01%). This sequence change replaces valine, which is neutral and non-polar, with isoleucine, which is neutral and non-polar, at codon 80 of the GOT2 protein (p.Val80Ile). In summary, the available evidence is currently insufficient to determine the role of this variant in disease. Therefore, it has been classified as a Variant of Uncertain Significance. Algorithms developed to predict the effect of missense changes on protein structure and function output the following: SIFT: "Tolerated"; PolyPhen-2: "Benign"; Align-GVGD: "Class C0". The isoleucine amino acid residue is found in multiple mammalian species, which suggests that this missense change does not adversely affect protein function. This variant has not been reported in the literature in individuals affected with GOT2-related conditions.